The following is an entry in ClinVar:

NM_000222.3(KIT):c.1936T>A (p.Tyr646Asn)

Gene: KIT (KIT proto-oncogene, receptor tyrosine kinase; plus strand). Cytogenetic location: 4q12.
Variant type: single nucleotide variant.
Coding change: c.1936T>A on transcript NM_000222.3 (MANE Select); coding-DNA position 1936, T replaced by A.
Protein change: p.Tyr646Asn; replaces tyrosine 646 with asparagine.
Molecular consequence: missense variant.
Genome position (GRCh38, 1-based): chr4:54,728,067, T>A. VCF-style: chr4-54728067-T-A. GRCh37 (hg19) VCF-style: chr4-55594233-T-A.
Other names: c.1924T>A, p.Tyr642Asn (NM_001093772.2, NM_001385286.1); c.1939T>A, p.Tyr647Asn (NM_001385284.1, NM_001385290.1); c.1936T>A, p.Tyr646Asn (NM_001385285.1); c.1927T>A, p.Tyr643Asn (NM_001385288.1, NM_001385292.1); short protein forms Y643N, Y642N, Y646N, Y647N.
Identifiers: ClinVar variation 4825606 (VCV004825606.1).

ClinVar aggregate classification (germline): Uncertain significance (1 of 4 stars; one submission).

Conditions:
Hereditary cancer-predisposing syndrome. Also called: Neoplastic Syndromes, Hereditary; Tumor predisposition; Hereditary Cancer Syndrome; Hereditary neoplastic syndrome. Identifiers: Orphanet 140162, MedGen C0027672, MeSH D009386, MONDO:0015356.

Submission:

Ambry Genetics
Classification: Uncertain significance for Hereditary cancer-predisposing syndrome. Last evaluated: 2026-02-18. Review status: criteria provided, single submitter. Criteria: Ambry Variant Classification Scheme 2023. Collection method: clinical testing. Allele origin: germline.
Comment: The p.Y646N variant (also known as c.1936T>A), located in coding exon 13 of the KIT gene, results from a T to A substitution at nucleotide position 1936. The tyrosine at codon 646 is replaced by asparagine, an amino acid with dissimilar properties. This amino acid position is highly conserved in available vertebrate species. In addition, the in silico prediction for this alteration is inconclusive. Based on the available evidence, the clinical significance of this variant remains unclear.